The following is an entry in ClinVar:

ClinVar aggregate classification (germline): Uncertain significance (0 of 4 stars; one submission).

Conditions:
PKHD1-related disorder. Also called: PKHD1-related condition.

gnomAD v4.1: 4 of 1,611,194 alleles (0.00025%); highest among the groups gnomAD compares: Non-Finnish European, 0.00034%; no homozygotes.

Submission:

PreventionGenetics, part of Exact Sciences
Classification: Uncertain significance for PKHD1-related condition. Last evaluated: 2024-08-24. Review status: no assertion criteria provided. Collection method: clinical testing. Allele origin: germline.
Comment: The PKHD1 c.4415G>T variant is predicted to result in the amino acid substitution p.Cys1472Phe. To our knowledge, this variant has not been reported in the literature. This variant is reported in 0.00089% of alleles in individuals of European (Non-Finnish) descent in gnomAD. Of note, a different substitution at the same codon, defined as c.4415G>A (p.Cys1472Tyr), was reported in the compound heterozygous state with a pathogenic nonsense variant an individual with autosomal recessive polycystic kidney disease (ARPKD) (Bergmann et al. 2004. PubMed ID: 15108281). Although we suspect that the c.4415G>T (p.Cys1472Phe) variant may be pathogenic, at this time, the clinical significance of this variant is uncertain due to the absence of conclusive functional and genetic evidence.

NM_138694.4(PKHD1):c.4415G>T (p.Cys1472Phe)

Gene: PKHD1 (PKHD1 ciliary IPT domain containing fibrocystin/polyductin; minus strand). Cytogenetic location: 6p12.2.
Variant type: single nucleotide variant.
Coding change: c.4415G>T on transcript NM_138694.4 (MANE Select); coding-DNA position 4415, G replaced by T.
Protein change: p.Cys1472Phe; replaces cysteine 1472 with phenylalanine.
Molecular consequence: missense variant.
Genome position (GRCh38, 1-based): chr6:52,025,395, C>A on the plus strand (G>T on the coding strand, the complement: PKHD1 is on the minus strand). VCF-style: chr6-52025395-C-A. GRCh37 (hg19) VCF-style: chr6-51890193-C-A.
Other names: c.4415G>T, p.Cys1472Phe (NM_170724.3); short protein forms C1472F.
Identifiers: ClinVar variation 3352835 (VCV003352835.1).